The following is an entry in ClinVar:

ClinVar aggregate classification (germline): Uncertain significance (1 of 4 stars; one submission).

Allele frequency attached by ClinVar (database versions not stated): ExAC 0.00001.
gnomAD v4.1: 1 of 1,614,204 alleles (0.000062%); highest among the groups gnomAD compares: Admixed American, 0.0017%; no homozygotes.

Submission:

Labcorp Genetics (formerly Invitae), Labcorp
Classification: Uncertain significance. Last evaluated: 2021-08-23. Review status: criteria provided, single submitter. Criteria: Invitae Variant Classification Sherloc (09022015). Collection method: clinical testing. Allele origin: germline.
Comment: This variant has not been reported in the literature in individuals affected with MERTK-related conditions. Algorithms developed to predict the effect of missense changes on protein structure and function are either unavailable or do not agree on the potential impact of this missense change (SIFT: "Deleterious"; PolyPhen-2: "Benign"; Align-GVGD: "Class C25"). In summary, the available evidence is currently insufficient to determine the role of this variant in disease. Therefore, it has been classified as a Variant of Uncertain Significance. This variant is present in population databases (rs758412728, ExAC 0.009%). This sequence change replaces valine with leucine at codon 476 of the MERTK protein (p.Val476Leu). The valine residue is highly conserved and there is a small physicochemical difference between valine and leucine.

NM_006343.3(MERTK):c.1426G>T (p.Val476Leu)

Gene: MERTK (MER proto-oncogene, tyrosine kinase; plus strand). Cytogenetic location: 2q13.
Variant type: single nucleotide variant.
Coding change: c.1426G>T on transcript NM_006343.3 (MANE Select); coding-DNA position 1426, G replaced by T.
Protein change: p.Val476Leu; replaces valine 476 with leucine.
Molecular consequence: missense variant.
Genome position (GRCh38, 1-based): chr2:111,994,380, G>T. VCF-style: chr2-111994380-G-T. GRCh37 (hg19) VCF-style: chr2-112751957-G-T.
Other names: short protein forms V476L.
Identifiers: ClinVar variation 1514866 (VCV001514866.6), dbSNP rs758412728, ClinGen allele CA1831381.